The following is an entry in ClinVar:

NM_000051.4(ATM):c.4842_4843insCT (p.Lys1615fs)

Gene: ATM (ATM serine/threonine kinase; plus strand). Cytogenetic location: 11q22.3.
Variant type: Insertion.
Coding change: c.4842_4843insCT on transcript NM_000051.4 (MANE Select); coding-DNA positions 4842 to 4843, CT inserted.
Protein change: p.Lys1615fs; shifts the reading frame from lysine 1615.
Molecular consequence: frameshift variant.
Genome position: GRCh38 VCF-style: chr11-108294992-A-ACT. GRCh37 (hg19) VCF-style: chr11-108165719-A-ACT.
Other names: c.4842_4843insCT, p.Lys1615fs (NM_001351834.2); short protein forms K1615fs.
Identifiers: ClinVar variation 233353 (VCV000233353.14), dbSNP rs753011366, ClinGen allele CA6265565.

ClinVar aggregate classification (germline): Pathogenic. Review status: criteria provided, multiple submitters, no conflicts (2 of 4 stars). 4 submissions from 4 submitters: Pathogenic (4). Last evaluated 2024-07-06.

Conditions:
Ataxia-telangiectasia syndrome (AT). Also called: Ataxia telangiectasia (A-T); LOUIS-BAR SYNDROME; Cerebello-oculocutaneous telangiectasia; Immunodeficiency with ataxia telangiectasia; ATAXIA-TELANGIECTASIA, COMPLEMENTATION GROUP A; ATAXIA-TELANGIECTASIA, FRESNO VARIANT. Identifiers: Orphanet 100, MedGen C0004135, MONDO:0008840, OMIM 208900.
Hereditary cancer-predisposing syndrome. Also called: Tumor predisposition; Hereditary Cancer Syndrome; Hereditary neoplastic syndrome; Neoplastic Syndromes, Hereditary. Identifiers: Orphanet 140162, MedGen C0027672, MeSH D009386, MONDO:0015356.
Familial cancer of breast. Also called: hereditary breast carcinoma; BREAST CANCER, FAMILIAL; Hereditary breast cancer. Identifiers: Orphanet 227535, MedGen C0346153, MONDO:0016419, OMIM 114480. Disease mechanism: loss of function.

Allele frequency attached by ClinVar (database versions not stated): gnomAD exomes below 0.00001; ExAC 0.00001.

Submissions (4):

Labcorp Genetics (formerly Invitae), Labcorp
Classification: Pathogenic for Ataxia-telangiectasia syndrome. Last evaluated: 2024-07-06. Review status: criteria provided, single submitter. Criteria: Invitae Variant Classification Sherloc (09022015). Collection method: clinical testing. Allele origin: germline.
Comment: This sequence change creates a premature translational stop signal (p.Lys1615Leufs*19) in the ATM gene. It is expected to result in an absent or disrupted protein product. Loss-of-function variants in ATM are known to be pathogenic (PMID: 23807571, 25614872). This variant is present in population databases (rs753011366, gnomAD 0.0009%). This variant has not been reported in the literature in individuals affected with ATM-related conditions. ClinVar contains an entry for this variant (Variation ID: 233353). For these reasons, this variant has been classified as Pathogenic.

Myriad Genetics, Inc.
Classification: Pathogenic for Familial cancer of breast. Last evaluated: 2024-01-24. Review status: criteria provided, single submitter. Criteria: Myriad Autosomal Dominant, Autosomal Recessive and X-Linked Classification Criteria (2023). Collection method: clinical testing. Allele origin: unknown.
Comment: This variant is considered pathogenic. This variant creates a frameshift predicted to result in premature protein truncation.

Baylor Genetics
Classification: Pathogenic for Familial cancer of breast. Last evaluated: 2023-06-05. Review status: criteria provided, single submitter. Criteria: ACMG Guidelines, 2015. Collection method: clinical testing. Allele origin: unknown.

Ambry Genetics
Classification: Pathogenic for Hereditary cancer-predisposing syndrome. Last evaluated: 2015-08-11. Review status: criteria provided, single submitter. Criteria: Ambry Variant Classification Scheme 2023. Collection method: clinical testing. Allele origin: germline.
Comment: The c.4842_4843insCT pathogenic mutation, located in coding exon 31 of the ATM gene, results from an insertion of two nucleotides between positions 4842 and 4843, causing a translational frameshift with a predicted alternate stop codon. Since frameshifts are typically deleterious in nature, this alteration is interpreted as a disease-causing mutation (ACMG Recommendations for Standards for Interpretation and Reporting of Sequence Variations. Revision 2007. Genet Med. 2008;10:294).

Literature cited by the submitters: PubMed 23807571 (cited by Labcorp Genetics (formerly Invitae), Labcorp); PubMed 25614872 (cited by Labcorp Genetics (formerly Invitae), Labcorp).